The following is an entry in ClinVar:

NM_173354.5(SIK1):c.1246-5C>T

Gene: SIK1 (salt inducible kinase 1; minus strand). Cytogenetic location: 21q22.3.
Variant type: single nucleotide variant.
Coding change: c.1246-5C>T on transcript NM_173354.5 (MANE Select); 5 bases into the intron before coding-DNA position 1246, C replaced by T.
Molecular consequence: intron variant.
Genome position (GRCh38, 1-based): chr21:43,419,242, G>A on the plus strand (C>T on the coding strand, the complement: SIK1 is on the minus strand). VCF-style: chr21-43419242-G-A. GRCh37 (hg19) VCF-style: chr21-44839122-G-A.
Identifiers: ClinVar variation 707210 (VCV000707210.14), dbSNP rs371389145, ClinGen allele CA321325972.
Genomic context (GRCh38, chr21:43,419,242, plus strand): 5'-ACGGGCCGGGGCCGGAACACTCCGCTGCAGCTGGCATCCACCGGGAAGAACAAGGGCTGC[G>A]TTGGAGAGACACAAGCCAGTGACTTCTCGGACTCCAGGTGACCCGGGCACACCGGGGGCA-3'

ClinVar aggregate classification (germline): Likely benign. Review status: criteria provided, multiple submitters, no conflicts (2 of 4 stars). 4 submissions from 4 submitters: Likely benign (4). Last evaluated 2026-01-13.

Conditions:
Inborn genetic diseases. Identifiers: MedGen C0950123, MeSH D030342.
Developmental and epileptic encephalopathy, 30 (DEE30). Also called: Epileptic encephalopathy, early infantile, 30. Identifiers: MedGen C4225360, MONDO:0014595, OMIM 616341.

Allele frequency attached by ClinVar (database versions not stated): gnomAD 0.00019; gnomAD exomes 0.00022; ESP Exome Variant Server 0.00023; ExAC 0.00034.

Submissions (4):

Labcorp Genetics (formerly Invitae), Labcorp
Classification: Likely benign for Developmental and epileptic encephalopathy, 30. Last evaluated: 2026-01-13. Review status: criteria provided, single submitter. Criteria: Invitae Variant Classification Sherloc (09022015). Collection method: clinical testing. Allele origin: germline.

Blueprint Genetics
Classification: Likely benign. Last evaluated: 2024-10-14. Review status: criteria provided, single submitter. Criteria: ACMG Guidelines, 2015. Collection method: clinical testing. Allele origin: germline.

Center for Genomics, Ann and Robert H. Lurie Children's Hospital of Chicago
Classification: Likely benign for Developmental and epileptic encephalopathy, 30. Last evaluated: 2022-09-01. Review status: criteria provided, single submitter. Criteria: ACMG Guidelines, 2015. Collection method: clinical testing. Allele origin: germline.
Comment: This variant has not been reported in the literature but is present in the Genome Aggregation Database (Highest reported MAF 0.04% (48/111448). This variant is present in ClinVar (Variation ID:707210). Evolutionary conservation and computational predictive tools for this variant are limited or unavailable. This variant is an intronic variant with no predicted change in the amino acid sequence but may have an unknown effect on splicing. Splice prediction tools do not suggest that this variant may affect splicing. However, further studies are needed to understand its impact. In summary, data on this variant is insufficient for disease classification. Therefore, the clinical significance of this variant is uncertain.

Ambry Genetics
Classification: Likely benign for Inborn genetic diseases. Last evaluated: 2018-07-19. Review status: criteria provided, single submitter. Criteria: Ambry Variant Classification Scheme 2023. Collection method: clinical testing. Allele origin: germline.